The following is an entry in ClinVar:

NM_004360.5(CDH1):c.390C>G (p.Ala130=)

Gene: CDH1 (cadherin 1; plus strand). Cytogenetic location: 16q22.1.
Variant type: single nucleotide variant.
Coding change: c.390C>G on transcript NM_004360.5 (MANE Select); coding-DNA position 390, C replaced by G.
Protein change: p.Ala130=; no amino-acid change (alanine 130 retained).
Molecular consequence: synonymous variant. On other transcripts: 5 prime UTR variant (2).
Genome position (GRCh38, 1-based): chr16:68,808,426, C>G. VCF-style: chr16-68808426-C-G. GRCh37 (hg19) VCF-style: chr16-68842329-C-G.
Other names: c.390C>G (LRG_301t1); c.390C>G, p.Ala130= (NM_001317184.2); c.-1226C>G (NM_001317185.2); c.-1430C>G (NM_001317186.2).
Identifiers: ClinVar variation 481682 (VCV000481682.14), dbSNP rs1555515177, ClinGen allele CA496152735.

ClinVar aggregate classification (germline): Benign/Likely benign. Review status: criteria provided, multiple submitters, no conflicts (2 of 4 stars). 3 submissions from 3 submitters: Benign (1); Likely benign (2). Last evaluated 2025-08-18.

Conditions:
Hereditary cancer-predisposing syndrome. Also called: Hereditary neoplastic syndrome; Neoplastic Syndromes, Hereditary; Tumor predisposition; Hereditary Cancer Syndrome. Identifiers: Orphanet 140162, MedGen C0027672, MeSH D009386, MONDO:0015356.
Hereditary diffuse gastric adenocarcinoma (HDGC). Also called: DIFFUSE GASTRIC AND LOBULAR BREAST CANCER SYNDROME. Identifiers: Orphanet 26106, MedGen C1708349, MONDO:0007648, OMIM 137215.

Submissions (3):

Labcorp Genetics (formerly Invitae), Labcorp
Classification: Likely benign for Hereditary diffuse gastric adenocarcinoma. Last evaluated: 2025-08-18. Review status: criteria provided, single submitter. Criteria: Invitae Variant Classification Sherloc (09022015). Collection method: clinical testing. Allele origin: germline.

Myriad Genetics, Inc.
Classification: Benign for Hereditary diffuse gastric adenocarcinoma. Last evaluated: 2024-09-12. Review status: criteria provided, single submitter. Criteria: Myriad Autosomal Dominant, Autosomal Recessive and X-Linked Classification Criteria (2023). Collection method: clinical testing. Allele origin: unknown.
Comment: This variant is considered benign. This variant is a silent/synonymous amino acid change and it is not expected to impact splicing.

Ambry Genetics
Classification: Likely benign for Hereditary cancer-predisposing syndrome. Last evaluated: 2016-01-20. Review status: criteria provided, single submitter. Criteria: Ambry Variant Classification Scheme 2023. Collection method: clinical testing. Allele origin: germline.